The following is an entry in ClinVar:

NM_199334.5(THRA):c.331C>T (p.Arg111Cys)

Gene: THRA (thyroid hormone receptor alpha; plus strand). Cytogenetic location: 17q21.1.
Variant type: single nucleotide variant.
Coding change: c.331C>T on transcript NM_199334.5 (MANE Select); coding-DNA position 331, C replaced by T.
Protein change: p.Arg111Cys; replaces arginine 111 with cysteine.
Molecular consequence: missense variant.
Genome position (GRCh38, 1-based): chr17:40,083,943, C>T. VCF-style: chr17-40083943-C-T. GRCh37 (hg19) VCF-style: chr17-38240196-C-T.
Other names: c.331C>T, p.Arg111Cys (NM_001190918.2, NM_001190919.2, NM_003250.6); short protein forms R111C.
Identifiers: ClinVar variation 4056857 (VCV004056857.1).

ClinVar aggregate classification (germline): Uncertain significance (1 of 4 stars; one submission).

gnomAD v4.1: 1 of 1,613,732 alleles (0.000062%); highest among the groups gnomAD compares: Non-Finnish European, 0.000085%; no homozygotes.

Submission:

GeneDx
Classification: Uncertain significance. Last evaluated: 2025-01-08. Review status: criteria provided, single submitter. Criteria: GeneDx Variant Classification Process June 2021. Collection method: clinical testing. Allele origin: germline. Affected: yes.
Comment: In silico analysis supports that this missense variant has a deleterious effect on protein structure/function; Not observed at significant frequency in large population cohorts (gnomAD); Has not been previously published as pathogenic or benign to our knowledge